The following is an entry in ClinVar:

ClinVar aggregate classification (germline): Likely benign (1 of 4 stars; one submission).

Allele frequency attached by ClinVar (database versions not stated): ESP Exome Variant Server 0.00008; TOPMed 0.00025; gnomAD exomes 0.00101; 1000 Genomes Project 30x 0.00125; 1000 Genomes Project 0.00160; gnomAD 0.00169; ExAC 0.00218.
gnomAD v4.1: 1,752 of 1,612,162 alleles (0.11%); highest among the groups gnomAD compares: Non-Finnish European, 0.03%; 13 homozygotes.

Submission:

CeGaT Center for Human Genetics Tuebingen
Classification: Likely benign. Last evaluated: 2026-05-01. Review status: criteria provided, single submitter. Criteria: CeGaT Center For Human Genetics Tuebingen Variant Classification Criteria Version 2. Collection method: clinical testing. Allele origin: germline. Affected: yes. Observed: 3 variant alleles.
Comment: INTS1: BP4, BP7

NM_001080453.3(INTS1):c.4806C>T (p.Asp1602=)

Gene: INTS1 (integrator complex subunit 1; minus strand). Cytogenetic location: 7p22.3.
Variant type: single nucleotide variant.
Coding change: c.4806C>T on transcript NM_001080453.3 (MANE Select); coding-DNA position 4806, C replaced by T.
Protein change: p.Asp1602=; no amino-acid change (aspartic acid 1602 retained).
Molecular consequence: synonymous variant.
Genome position (GRCh38, 1-based): chr7:1,477,761, G>A on the plus strand (C>T on the coding strand, the complement: INTS1 is on the minus strand). VCF-style: chr7-1477761-G-A. GRCh37 (hg19) VCF-style: chr7-1517397-G-A.
Other names: c.1323C>T, p.Asp441= (NM_015674.1).
Identifiers: ClinVar variation 2657185 (VCV002657185.24), dbSNP rs199641509, ClinGen allele CA4118704.
Genomic context (GRCh38, chr7:1,477,761, plus strand): 5'-GGCTGGTGCCACCCGCCTGCCCACCCTGGCCGTGTGCAGCACCCCAGCTCACCTGCCACC[G>A]TCCGCACCCGGCTTCCCCCCAGCCAGGGGCTCCTCCTCCTGCAGCAGCAGGGAGCTCACC-3'
Protein context (NP_001073922.2, residues 1592-1612): EPLAGGKPGA[Asp1602=]GGSLEAVRLG